The following is an entry in ClinVar:

NM_022114.4(PRDM16):c.2940-17G>A

Gene: PRDM16 (PR/SET domain 16; plus strand). Cytogenetic location: 1p36.32.
Variant type: single nucleotide variant.
Coding change: c.2940-17G>A on transcript NM_022114.4 (MANE Select); 17 bases into the intron before coding-DNA position 2940, G replaced by A.
Molecular consequence: intron variant.
Genome position (GRCh38, 1-based): chr1:3,425,564, G>A. VCF-style: chr1-3425564-G-A. GRCh37 (hg19) VCF-style: chr1-3342128-G-A.
Other names: c.2940-17G>A (NM_199454.3).
Identifiers: ClinVar variation 386315 (VCV000386315.26), dbSNP rs41301967, ClinGen allele CA544674.

ClinVar aggregate classification (germline): Benign. Review status: criteria provided, multiple submitters, no conflicts (2 of 4 stars). 9 submissions from 9 submitters: Benign (6). 3 of the submissions do not count toward it. Last evaluated 2026-02-03.

Conditions:
Left ventricular noncompaction 8 (LVNC8). Identifiers: Orphanet 154, Orphanet 54260, MedGen C3809288, MONDO:0014152, OMIM 615373.

Allele frequency attached by ClinVar (database versions not stated): 1000 Genomes Project 30x 0.00515; 1000 Genomes Project 0.00539; gnomAD exomes 0.01248; ExAC 0.01258; TOPMed 0.01317; gnomAD 0.01425 and 0.01452; ESP Exome Variant Server 0.01548.
gnomAD v4.1: 30,907 of 1,612,458 alleles (1.9%); highest among the groups gnomAD compares: Non-Finnish European, 2.4%; 378 homozygotes.

Submissions (9):

Labcorp Genetics (formerly Invitae), Labcorp
Classification: Benign for Left ventricular noncompaction 8. Last evaluated: 2026-02-03. Review status: criteria provided, single submitter. Criteria: Invitae Variant Classification Sherloc (09022015). Collection method: clinical testing. Allele origin: germline.

ARUP Laboratories, Molecular Genetics and Genomics, ARUP Laboratories
Classification: Benign. Last evaluated: 2025-05-15. Review status: criteria provided, single submitter. Criteria: ARUP Molecular Germline Variant Investigation Process 2024. Collection method: clinical testing. Allele origin: germline.

Blueprint Genetics
Classification: Benign. Last evaluated: 2024-11-25. Review status: criteria provided, single submitter. Criteria: ACMG Guidelines, 2015. Collection method: clinical testing. Allele origin: germline.

Women's Health and Genetics/Laboratory Corporation of America, LabCorp
Classification: Benign. Last evaluated: 2023-04-17. Review status: criteria provided, single submitter. Criteria: LabCorp Variant Classification Summary - May 2015. Collection method: clinical testing. Allele origin: germline.

GeneDx
Classification: Benign. Last evaluated: 2016-09-28. Review status: criteria provided, single submitter. Criteria: GeneDx Variant Classification (06012015). Collection method: clinical testing. Allele origin: germline. Affected: yes.
Comment: This variant is considered likely benign or benign based on one or more of the following criteria: it is a conservative change, it occurs at a poorly conserved position in the protein, it is predicted to be benign by multiple in silico algorithms, and/or has population frequency not consistent with disease.

Breakthrough Genomics
Classification: Benign. Review status: criteria provided, single submitter. Criteria: ACMG Guidelines, 2015. Collection method: not provided. Allele origin: germline. Inheritance: Autosomal dominant inheritance. Affected: yes.

Clinical Genetics DNA and cytogenetics Diagnostics Lab, Erasmus MC, Erasmus Medical Center
Classification: Benign. Review status: no assertion criteria provided. Collection method: clinical testing. Allele origin: germline. Affected: yes. Study: VKGL Data-share Consensus. Not counted in ClinVar's aggregate classification.

Clinical Genetics, Academic Medical Center
Classification: Benign. Review status: no assertion criteria provided. Collection method: clinical testing. Allele origin: germline. Affected: yes. Study: VKGL Data-share Consensus. Not counted in ClinVar's aggregate classification.

Joint Genome Diagnostic Labs from Nijmegen and Maastricht, Radboudumc and MUMC+
Classification: Benign. Review status: no assertion criteria provided. Collection method: clinical testing. Allele origin: germline. Affected: yes. Study: VKGL Data-share Consensus. Not counted in ClinVar's aggregate classification.